The following is an entry in ClinVar:

ClinVar aggregate classification (germline): Uncertain significance (1 of 4 stars; one submission).

Conditions:
Familial adenomatous polyposis 1 (FAP1). Also called: FAMILIAL ADENOMATOUS POLYPOSIS 1, ATTENUATED; POLYPOSIS, ADENOMATOUS INTESTINAL. Identifiers: MedGen C2713442, MONDO:0021056, OMIM 175100. Disease mechanism: loss of function.

Submission:

Labcorp Genetics (formerly Invitae), Labcorp
Classification: Uncertain significance for Familial adenomatous polyposis 1. Last evaluated: 2022-02-18. Review status: criteria provided, single submitter. Criteria: Invitae Variant Classification Sherloc (09022015). Collection method: clinical testing. Allele origin: germline.
Comment: This sequence change replaces asparagine, which is neutral and polar, with threonine, which is neutral and polar, at codon 261 of the APC protein (p.Asn261Thr). This variant is not present in population databases (gnomAD no frequency). This variant has not been reported in the literature in individuals affected with APC-related conditions. Algorithms developed to predict the effect of missense changes on protein structure and function (SIFT, PolyPhen-2, Align-GVGD) all suggest that this variant is likely to be tolerated. In summary, the available evidence is currently insufficient to determine the role of this variant in disease. Therefore, it has been classified as a Variant of Uncertain Significance.

NM_000038.6(APC):c.782A>C (p.Asn261Thr)

Gene: APC (APC regulator of Wnt signaling pathway; plus strand). Cytogenetic location: 5q22.2.
Variant type: single nucleotide variant.
Coding change: c.782A>C on transcript NM_000038.6 (MANE Select); coding-DNA position 782, A replaced by C.
Protein change: p.Asn261Thr; replaces asparagine 261 with threonine.
Molecular consequence: missense variant. On other transcripts: 5 prime UTR variant (1).
Genome position (GRCh38, 1-based): chr5:112,801,331, A>C. VCF-style: chr5-112801331-A-C. GRCh37 (hg19) VCF-style: chr5-112137028-A-C.
Other names: c.782A>C, p.Asn261Thr (NM_001127510.3, NM_001354895.2, NM_001354896.2 and 12 more transcripts); c.728A>C, p.Asn243Thr (NM_001127511.3); c.812A>C, p.Asn271Thr (NM_001354897.2, NM_001354902.2, NM_001407446.1); c.707A>C, p.Asn236Thr (NM_001354898.2, NM_001354904.2, NM_001407451.1); c.698A>C, p.Asn233Thr (NM_001354899.2, NM_001407452.1, NM_001407467.1 and 1 more transcripts); c.605A>C, p.Asn202Thr (NM_001354900.2, NM_001354901.2, NM_001354905.2 and 1 more transcripts); c.-254A>C (NM_001354906.2, NM_001407470.1, NM_001407471.1 and 1 more transcripts); short protein forms N243T, N202T, N236T, N233T, N271T, N261T.
Identifiers: ClinVar variation 2098783 (VCV002098783.4), dbSNP rs1760800212, ClinGen allele CA16023040.
Genomic context (GRCh38, chr5:112,801,331, plus strand): 5'-CTTAACAGAGGTCATCTCAGAACAAGCATGAAACCGGCTCACATGATGCTGAGCGGCAGA[A>C]TGAAGGTCAAGGAGTGGGAGAAATCAACATGGCAACTTCTGGTAATGGTCAGGTAAATAA-3'
Protein context (NP_000029.2, residues 251-271): ETGSHDAERQ[Asn261Thr]EGQGVGEINM